The following is an entry in ClinVar:

NM_000104.4(CYP1B1):c.241T>A (p.Tyr81Asn)

Gene: CYP1B1 (cytochrome P450 family 1 subfamily B member 1; minus strand). Cytogenetic location: 2p22.2.
Variant type: single nucleotide variant.
Coding change: c.241T>A on transcript NM_000104.4 (MANE Select); coding-DNA position 241, T replaced by A.
Protein change: p.Tyr81Asn; replaces tyrosine 81 with asparagine.
Molecular consequence: missense variant.
Genome position (GRCh38, 1-based): chr2:38,075,148, A>T on the plus strand (T>A on the coding strand, the complement: CYP1B1 is on the minus strand). VCF-style: chr2-38075148-A-T. GRCh37 (hg19) VCF-style: chr2-38302291-A-T.
Other names: NM_000104.4(CYP1B1):c.241T>A; short protein forms Y81N.
Identifiers: ClinVar variation 7744 (VCV000007744.54), dbSNP rs9282671, ClinGen allele CA145182.

ClinVar aggregate classification (germline): Likely benign. Review status: reviewed by expert panel (3 of 4 stars). 10 submissions from 9 submitters: Likely benign (1). 9 of the submissions do not count toward it. Last evaluated 2025-11-19.

Conditions:
Congenital glaucoma. Identifiers: MedGen C0020302, MONDO:0020366.
CYP1B1-related glaucoma with or without anterior segment dysgenesis. Identifiers: MedGen CN375931, MONDO:0800472.
Anterior segment dysgenesis. Also called: Ocular anterior segment dysgenesis. Identifiers: Orphanet 88632, MedGen C1862839, MONDO:0019503, HP:0007700.
Irido-corneo-trabecular dysgenesis (ASGD5). Also called: ANTERIOR SEGMENT DYSGENESIS 5. Identifiers: Orphanet 708, MedGen C0344559, MONDO:0011414, OMIM 604229, HP:0000659.
Primary open angle glaucoma (POAG). Also called: OPTN-related open angle glaucoma. Identifiers: MedGen C0339573, MONDO:0100553, OMIM 137760.
Glaucoma 3A. Also called: Glaucoma 3, primary congenital, A. Identifiers: Orphanet 98976, Orphanet 98977, MedGen C1856439, MONDO:0009277, OMIM 231300.
Congenital ocular coloboma. Also called: Coloboma; COLOBOMA OF IRIS, CHOROID, AND RETINA; COLOBOMA, UVEORETINAL; Coloboma of eye. Identifiers: Orphanet 194, MedGen C0009363, MONDO:0001476, HP:0000589.

Allele frequency attached by ClinVar (database versions not stated): 1000 Genomes Project 30x 0.00234; 1000 Genomes Project 0.00220; gnomAD 0.00353 and 0.00362; ExAC 0.00642; TOPMed 0.00250; gnomAD exomes 0.00355.
gnomAD v4.1: 6,152 of 1,574,856 alleles (0.39%); highest among the groups gnomAD compares: Non-Finnish European, 0.41%; 28 homozygotes.

Submissions (10):

ClinGen Glaucoma Variant Curation Expert Panel
Classification: Likely benign for CYP1B1-related glaucoma with or without anterior segment dysgenesis. Last evaluated: 2025-11-19. Review status: reviewed by expert panel. Criteria: ClinGen CYP1B1 ACMG Specifications V1 Approved. Collection method: curation. Allele origin: germline. Inheritance: Autosomal recessive inheritance.
Comment: The c.241T>A variant in CYP1B1 is a missense variant predicted to cause substitution of Tyrosine by Asparagine at amino acid 81 (p.Tyr81Asn). The highest minor allele frequency of this variant was in the European (Finnish) genetic ancestry group of gnomAD (v4.1.0) = 0.01438, which met the ≥ 0.01 threshold set for BS1 (674 alleles out of 46,866), meeting the threshold of ≥ 5 of at least 2,000 observed alleles). The REVEL score = 0.811, which was within the 0.773-0.931 range for PP3_Moderate, predicting a damaging effect on CYP1B1 function. A previous study (PMID: 18470941) demonstrated that the 17B estradiol activity levels of the Tyr81Asn protein were not below the established threshold for that assay (<20% relative activity compared to background haplotype). This variant was also assessed in PMIDs: 18622259, 19793111, 19234632 & 27243976, however, the assays reported did not meet the OddsPath threshold (> 2.1) or the threshold for abnormal impact on protein function in the assay could not be determined. As BS1 was met, PM3 did not apply and occurrence of this variant with another CYPB1 variant was not assessed. In summary, this variant met the criteria to receive a score of -2 and to be classified as likely benign (likely benign classification range -2 to -6, adapted from PMID: 32720330) for CYP1B1-related glaucoma with or without anterior segment dysgenesis (ASD) based on the ACMG/AMP criteria met, as specified by the ClinGen Glaucoma VCEP (v1.0, 06.11.2025): BS1, PP3_Moderate

Labcorp Genetics (formerly Invitae), Labcorp
Classification: Benign for Congenital glaucoma. Last evaluated: 2026-02-01. Review status: criteria provided, single submitter. Criteria: Invitae Variant Classification Sherloc (09022015). Collection method: clinical testing. Allele origin: germline. Not counted in ClinVar's aggregate classification.

CeGaT Center for Human Genetics Tuebingen
Classification: Uncertain significance. Last evaluated: 2023-07-01. Review status: criteria provided, single submitter. Criteria: CeGaT Center For Human Genetics Tuebingen Variant Classification Criteria Version 2. Collection method: clinical testing. Allele origin: germline. Affected: yes. Observed: 1 variant allele. Not counted in ClinVar's aggregate classification.
Comment: CYP1B1: PM3, PM2:Supporting, PS3:Supporting

GeneDx
Classification: Uncertain significance. Last evaluated: 2021-11-30. Review status: criteria provided, single submitter. Criteria: GeneDx Variant Classification Process June 2021. Collection method: clinical testing. Allele origin: germline. Affected: yes. Not counted in ClinVar's aggregate classification.
Comment: Identified in patients with primary congenital glaucoma, primary open-angle glaucoma, coloboma and micropthalmia, but many of these patients were not observed to harbor a second variant in CYP1B1, and Y81N did not segregate with disease in some families. (Melki et al., 2004; Mill et al., 2013; Prokudin et al., 2014; Reis et al., 2016; Rauf et al., 2016); Published functional studies demonstrate a reduction in enzyme activity compared to the wild type (Choudhary et al., 2008; Banerjee et al., 2016); This variant is associated with the following publications: (PMID: 19793111, 27508083, 22004014, 19204079, 19643970, 19234632, 27243976, 27820421, 25646030, 27777502, 23922489, 24281366, 16862072, 18470941, 15342693, 18622259)

Victorian Clinical Genetics Services, Murdoch Childrens Research Institute
Classification: Uncertain significance for Anterior segment dysgenesis. Last evaluated: 2020-06-11. Review status: criteria provided, single submitter. Criteria: ACMG Guidelines, 2015. Collection method: clinical testing. Allele origin: germline. Inheritance: Autosomal recessive inheritance. Affected: yes. Not counted in ClinVar's aggregate classification.
Comment: Based on the classification scheme VCGS_Germline_v1.1.1, this variant is classified as a VUS - 3A. 0102 - Loss-of-function is a known mechanism of disease for this gene. (N) 0106 - This gene is known to be associated with autosomal recessive disease. (N) 0112 - Variants in this gene are known to have reduced penetrance (PMID: 26550445, PMID: 10655546). (N) 0200 - Variant is predicted to result in a missense amino acid change from tyrosine to asparagine (exon 2). (N) 0251 - Variant is heterozygous. (N) 0305 - Variant is present in gnomAD >=0.01 and <0.03 for a recessive condition (772 heterozygotes, 9 homozygotes). (N) 0309 - An alternative amino acid change at the same position has been observed in gnomAD (2 heterozygotes, 0 homozygotes). (N) 0501 - Missense variant consistently predicted to be damaging by multiple in silico tools or highly conserved with a major amino acid change. (P) 0600 - Variant is located in an annotated domain or motif, (p450 cytochrome domain; PDB, NCBI). (N) 0705 - No comparable variants have previous evidence for pathogenicity. (N) 0808 - Previous reports of pathogenicity are conflicting. This variant has been reported as a VUS and benign, and observed in heterozygote controls or carriers with primary open-angle glaucoma (POAG) (ClinVar, LOVD, PMID: 27777502, PMID: 15342693). However more recently, this variant has been reported as pathogenic in homozygous and compound heterozygous patients with POAG and congenital glaucoma (PMID: 24281366, PMID: 27508083, PMID: 30520782, PMID: 22004014). (N) 1002 - Moderate functional evidence supporting abnormal protein function. Transfected cells demonstrated reduced protein expression (PMID: 18470941). (P) 1208 - Inheritance information for this variant is not currently available. (N) Legend: (P) - Pathogenic, (N) - Neutral, (B) - Benign

Illumina Laboratory Services, Illumina
Classification: Uncertain significance for Irido-corneo-trabecular dysgenesis. Last evaluated: 2017-04-28. Review status: criteria provided, single submitter. Criteria: ICSL Variant Classification Criteria 13 December 2019. Collection method: clinical testing. Allele origin: germline. Not counted in ClinVar's aggregate classification.

Illumina Laboratory Services, Illumina
Classification: Likely benign for Glaucoma 3A. Last evaluated: 2017-04-28. Review status: criteria provided, single submitter. Criteria: ICSL Variant Classification Criteria 13 December 2019. Collection method: clinical testing. Allele origin: germline. Not counted in ClinVar's aggregate classification.
Comment: This variant was observed as part of a predisposition screen in an ostensibly healthy population. A literature search was performed for the gene, cDNA change, and amino acid change (where applicable). Publications were found based on this search. The evidence from the literature, in combination with allele frequency data from public databases where available, was sufficient to determine this variant is unlikely to cause disease. Therefore, this variant is classified as likely benign.

Eurofins Ntd Llc (ga)
Classification: Benign. Last evaluated: 2013-08-14. Review status: criteria provided, single submitter. Criteria: EGL Classification Definitions 2015. Collection method: clinical testing. Allele origin: germline. Observed: 2 variant alleles, 2 heterozygotes. Not counted in ClinVar's aggregate classification.

Eye Genetics Research Group, Children's Medical Research Institute
Classification: Uncertain significance for Coloboma. Last evaluated: 2012-03-30. Review status: no assertion criteria provided. Collection method: research. Allele origin: paternal. Affected: yes. Not counted in ClinVar's aggregate classification.

OMIM
Classification: Pathogenic for GLAUCOMA, PRIMARY OPEN ANGLE, ADULT-ONSET. Last evaluated: 2008-09-01. Review status: no assertion criteria provided. Collection method: literature only. Allele origin: germline. Not counted in ClinVar's aggregate classification.

Literature cited by the submitters: PubMed 10655546 (cited by Victorian Clinical Genetics Services, Murdoch Childrens Research Institute); PubMed 15342693 (cited by Victorian Clinical Genetics Services, Murdoch Childrens Research Institute and OMIM); PubMed 18470941 (cited by Victorian Clinical Genetics Services, Murdoch Childrens Research Institute and OMIM); PubMed 22004014 (cited by Victorian Clinical Genetics Services, Murdoch Childrens Research Institute and Eurofins Ntd Llc (ga)); PubMed 24281366 (cited by Victorian Clinical Genetics Services, Murdoch Childrens Research Institute and Eye Genetics Research Group, Children's Medical Research Institute); PubMed 26550445 (cited by Victorian Clinical Genetics Services, Murdoch Childrens Research Institute); PubMed 27508083 (cited by Victorian Clinical Genetics Services, Murdoch Childrens Research Institute); PubMed 27777502 (cited by Victorian Clinical Genetics Services, Murdoch Childrens Research Institute); PubMed 30520782 (cited by Victorian Clinical Genetics Services, Murdoch Childrens Research Institute); PubMed 19234632 (cited by Illumina Laboratory Services, Illumina).